The following is an entry in ClinVar:

NM_015631.6(TCTN3):c.1425G>A (p.Arg475=)

Gene: TCTN3 (tectonic family member 3; minus strand). Cytogenetic location: 10q24.1.
Variant type: single nucleotide variant.
Coding change: c.1425G>A on transcript NM_015631.6 (MANE Select); coding-DNA position 1425, G replaced by A.
Protein change: p.Arg475=; no amino-acid change (arginine 475 retained).
Molecular consequence: synonymous variant.
Genome position (GRCh38, 1-based): chr10:95,682,678, C>T on the plus strand (G>A on the coding strand, the complement: TCTN3 is on the minus strand). VCF-style: chr10-95682678-C-T. GRCh37 (hg19) VCF-style: chr10-97442435-C-T.
Other names: c.981G>A, p.Arg327= (NM_001143973.2).
Identifiers: ClinVar variation 383719 (VCV000383719.38), dbSNP rs144543830, ClinGen allele CA5620847.

ClinVar aggregate classification (germline): Likely benign. Review status: criteria provided, multiple submitters, no conflicts (2 of 4 stars). 5 submissions from 5 submitters: Likely benign (4). 1 of the submissions does not count toward it. Last evaluated 2026-02-01.

Conditions:
TCTN3-related disorder. Also called: TCTN3-related condition.
Joubert syndrome 18 (JBTS18). Identifiers: Orphanet 2754, MedGen C3553758, MONDO:0013896, OMIM 614815.
Orofacial-digital syndrome IV (OFD4). Also called: Orofaciodigital syndrome IV; MOHR-MAJEWSKI SYNDROME; BARAITSER-BURN SYNDROME; OFD SYNDROME WITH TIBIAL DEFECTS; OFD SYNDROME, BARAITSER-BURN TYPE; OFDS IV. Identifiers: Orphanet 2753, MedGen C0406727, MONDO:0009794, OMIM 258860.

Allele frequency attached by ClinVar (database versions not stated): ESP Exome Variant Server 0.00015; ExAC 0.00045; gnomAD exomes 0.00046 and 0.00060; TOPMed 0.00049; gnomAD 0.00063 and 0.00065.
gnomAD v4.1: 763 of 1,613,958 alleles (0.047%); highest among the groups gnomAD compares: Middle Eastern, 0.21%; no homozygotes.

Submissions (5):

CeGaT Center for Human Genetics Tuebingen
Classification: Likely benign. Last evaluated: 2026-02-01. Review status: criteria provided, single submitter. Criteria: CeGaT Center For Human Genetics Tuebingen Variant Classification Criteria Version 2. Collection method: clinical testing. Allele origin: germline. Affected: yes. Observed: 4 variant alleles.
Comment: TCTN3: BP4, BP7

Labcorp Genetics (formerly Invitae), Labcorp
Classification: Likely benign for Joubert syndrome 18; Orofacial-digital syndrome IV. Last evaluated: 2026-01-24. Review status: criteria provided, single submitter. Criteria: Invitae Variant Classification Sherloc (09022015). Collection method: clinical testing. Allele origin: germline.

Blueprint Genetics
Classification: Likely benign. Last evaluated: 2024-11-19. Review status: criteria provided, single submitter. Criteria: ACMG Guidelines, 2015. Collection method: clinical testing. Allele origin: germline.

GeneDx
Classification: Likely benign. Last evaluated: 2020-01-15. Review status: criteria provided, single submitter. Criteria: GeneDx Variant Classification Process June 2021. Collection method: clinical testing. Allele origin: germline. Affected: yes.

PreventionGenetics, part of Exact Sciences
Classification: Likely benign for TCTN3-related condition. Last evaluated: 2024-06-03. Review status: no assertion criteria provided. Collection method: clinical testing. Allele origin: germline. Not counted in ClinVar's aggregate classification.
Comment: This variant is classified as likely benign based on ACMG/AMP sequence variant interpretation guidelines (Richards et al. 2015 PMID: 25741868, with internal and published modifications).